The following is an entry in ClinVar:

ClinVar aggregate classification (germline): Uncertain significance. Review status: criteria provided, multiple submitters, no conflicts (2 of 4 stars). 2 submissions from 2 submitters: Uncertain significance (2). Last evaluated 2024-07-10.

Conditions:
Hereditary cancer-predisposing syndrome. Also called: Neoplastic Syndromes, Hereditary; Tumor predisposition; Hereditary Cancer Syndrome; Hereditary neoplastic syndrome. Identifiers: Orphanet 140162, MedGen C0027672, MeSH D009386, MONDO:0015356.
Classic or attenuated familial adenomatous polyposis. Identifiers: MedGen CN372698, MONDO:0021057.

gnomAD v4.1: 1 of 1,614,024 alleles (0.000062%); highest among the groups gnomAD compares: East Asian, 0.0022%; no homozygotes.

Submissions (2):

All of Us Research Program, National Institutes of Health
Classification: Uncertain significance for Classic or attenuated familial adenomatous polyposis. Last evaluated: 2024-07-10. Review status: criteria provided, single submitter. Criteria: ACMG Guidelines, 2015. Collection method: clinical testing. Allele origin: germline. Inheritance: Autosomal dominant inheritance. Observed: 1 variant allele, 1 heterozygote.
Comment: This missense variant replaces glutamine with lysine at codon 2701 of the APC protein. Computational prediction suggests that this variant may not impact protein structure and function (internally defined REVEL score threshold <= 0.5, PMID: 27666373). To our knowledge, functional studies have not been reported for this variant. This variant has not been reported in individuals affected with APC-related disorders in the literature. This variant has been identified in 1/251330 chromosomes in the general population by the Genome Aggregation Database (gnomAD). The available evidence is insufficient to determine the role of this variant in disease conclusively. Therefore, this variant is classified as a Variant of Uncertain Significance.

This study involves interpretation of variants in research participants for the purpose of population health screening. Participant phenotype was not available at the time of variant classification. Additional details can be found in publication PMID: 35346344, PMCID: PMC8962531

Color Diagnostics, LLC DBA Color Health
Classification: Uncertain significance for Hereditary cancer-predisposing syndrome. Last evaluated: 2023-12-04. Review status: criteria provided, single submitter. Criteria: ACMG Guidelines, 2015. Collection method: clinical testing. Allele origin: germline.
Comment: This missense variant replaces glutamine with lysine at codon 2701 of the APC protein. Computational prediction suggests that this variant may not impact protein structure and function (internally defined REVEL score threshold <= 0.5, PMID: 27666373). To our knowledge, functional studies have not been reported for this variant. This variant has not been reported in individuals affected with APC-related disorders in the literature. This variant has been identified in 1/251330 chromosomes in the general population by the Genome Aggregation Database (gnomAD). The available evidence is insufficient to determine the role of this variant in disease conclusively. Therefore, this variant is classified as a Variant of Uncertain Significance.

NM_000038.6(APC):c.8101C>A (p.Gln2701Lys)

Gene: APC (APC regulator of Wnt signaling pathway; plus strand). Cytogenetic location: 5q22.2.
Variant type: single nucleotide variant.
Coding change: c.8101C>A on transcript NM_000038.6 (MANE Select); coding-DNA position 8101, C replaced by A.
Protein change: p.Gln2701Lys; replaces glutamine 2701 with lysine.
Molecular consequence: missense variant.
Genome position (GRCh38, 1-based): chr5:112,843,695, C>A. VCF-style: chr5-112843695-C-A. GRCh37 (hg19) VCF-style: chr5-112179392-C-A.
Other names: c.8101C>A, p.Gln2701Lys (NM_001127510.3, NM_001354895.2); c.8047C>A, p.Gln2683Lys (NM_001127511.3); c.8155C>A, p.Gln2719Lys (NM_001354896.2); c.8131C>A, p.Gln2711Lys (NM_001354897.2); c.8026C>A, p.Gln2676Lys (NM_001354898.2); c.8017C>A, p.Gln2673Lys (NM_001354899.2); c.7978C>A, p.Gln2660Lys (NM_001354900.2); c.7924C>A, p.Gln2642Lys (NM_001354901.2); and 5 more; short protein forms Q2701K, Q2711K, Q2719K, Q2575K, Q2642K, Q2660K, Q2683K, Q2610K.
Identifiers: ClinVar variation 921322 (VCV000921322.5), dbSNP rs1270065034, ClinGen allele CA16038924.